The following is an entry in ClinVar:

ClinVar aggregate classification (germline): Uncertain significance (1 of 4 stars; one submission).

Conditions:
Christianson syndrome (MRXSCH). Also called: SLC9A6-Related Syndromic Mental Retardation; INTELLECTUAL DEVELOPMENTAL DISORDER, X-LINKED, SYNDROMIC, CHRISTIANSON TYPE; X-linked mental retardation, syndromic, Christianson type. Identifiers: Orphanet 85278, MedGen C2678194, MONDO:0010278, OMIM 300243.

Allele frequency attached by ClinVar (database versions not stated): ExAC 0.00001; gnomAD exomes 0.00001.
gnomAD v4.1: 10 of 1,210,999 alleles (0.00083%); highest among the groups gnomAD compares: East Asian, 0.03%; no homozygotes.

Submission:

Labcorp Genetics (formerly Invitae), Labcorp
Classification: Uncertain significance for Christianson syndrome. Last evaluated: 2025-06-23. Review status: criteria provided, single submitter. Criteria: Invitae Variant Classification Sherloc (09022015). Collection method: clinical testing. Allele origin: germline.
Comment: This sequence change replaces threonine, which is neutral and polar, with asparagine, which is neutral and polar, at codon 130 of the SLC9A6 protein (p.Thr130Asn). This variant is present in population databases (rs782644535, gnomAD 0.008%). This variant has not been reported in the literature in individuals affected with SLC9A6-related conditions. ClinVar contains an entry for this variant (Variation ID: 1358804). Invitae Evidence Modeling of protein sequence and biophysical properties (such as structural, functional, and spatial information, amino acid conservation, physicochemical variation, residue mobility, and thermodynamic stability) indicates that this missense variant is not expected to disrupt SLC9A6 protein function with a negative predictive value of 80%. In summary, the available evidence is currently insufficient to determine the role of this variant in disease. Therefore, it has been classified as a Variant of Uncertain Significance.

NM_001379110.1(SLC9A6):c.233C>A (p.Thr78Asn)

Gene: SLC9A6 (solute carrier family 9 member A6; plus strand). Cytogenetic location: Xq26.3.
Variant type: single nucleotide variant.
Coding change: c.233C>A on transcript NM_001379110.1 (MANE Select); coding-DNA position 233, C replaced by A.
Protein change: p.Thr78Asn; replaces threonine 78 with asparagine.
Molecular consequence: missense variant.
Genome position (GRCh38, 1-based): chrX:135,994,849, C>A. VCF-style: chrX-135994849-C-A. GRCh37 (hg19) VCF-style: chrX-135077008-C-A.
Other names: c.389C>A, p.Thr130Asn (NM_001042537.2, NM_006359.3); c.233C>A, p.Thr78Asn (NM_001177651.2, NM_001330652.2); short protein forms T130N, T78N.
Identifiers: ClinVar variation 1358804 (VCV001358804.6), dbSNP rs782644535, ClinGen allele CA10524645.
Genomic context (GRCh38, chrX:135,994,849, plus strand): 5'-TTTTGGTGGGCCTTGTGCTTCGGTATGGCATTCATGTTCCGAGTGATGTAAATAATGTGA[C>A]CCTGAGCTGTGAAGTGCAGTCAAGTCCAACTACCTTACTGGTAAATGTTAGTGGAAAATT-3'
Protein context (NP_001366039.1, residues 68-88): IHVPSDVNNV[Thr78Asn]LSCEVQSSPT